The following is an entry in ClinVar:

ClinVar aggregate classification (germline): Pathogenic. Review status: criteria provided, multiple submitters, no conflicts (2 of 4 stars). 2 submissions from 2 submitters: Pathogenic (2). Last evaluated 2025-07-16.

Conditions:
Osteogenesis imperfecta, perinatal lethal (OI2). Also called: OSTEOGENESIS IMPERFECTA, TYPE II; Osteogenesis imperfecta type 2; VROLIK TYPE OF OSTEOGENESIS IMPERFECTA; OI, TYPE II; OSTEOGENESIS IMPERFECTA CONGENITA; Osteogenesis imperfecta, dominant perinatal lethal. Identifiers: Orphanet 216804, MedGen C0268358, MONDO:0008147, OMIM 166210.
Osteogenesis imperfecta type I (OI1). Also called: Lobstein disease; Osteogenesis imperfecta type 1; Classic Non-deforming Osteogenesis Imperfecta with Blue Sclerae; OI, TYPE I; OSTEOGENESIS IMPERFECTA TARDA; OSTEOGENESIS IMPERFECTA WITH BLUE SCLERAE. Identifiers: Orphanet 216796, Orphanet 666, MedGen C0023931, MONDO:0008146, OMIM 166200. Disease mechanism: loss of function.

Submissions (2):

Clinical Biomedical Laboratory, Shriners Hospital For Children - Canada
Classification: Pathogenic for Osteogenesis imperfecta type I. Last evaluated: 2025-07-16. Review status: criteria provided, single submitter. Criteria: ACMG Guidelines, 2015. Collection method: clinical testing. Allele origin: germline. Affected: yes.
Comment: This variant is predicted to substitute a glycine residue by a serine residue in the alpha 2 chain of collagen type I. Glycine substitutions in the triple helical domain of collagen type I cause disruption in the formation of the triple helix in the collagen molecule and are a typical cause of osteogenesis imperfecta. This variant is absent from the Genome Aggregation Database v.2.1.1, indicating it is very rare. Prediction tools (REVEL: 0.96) suggest that the change is detrimental to protein function. This variant has been reported in the literature (PMID: 27509835).

Institute of Human Genetics, Cologne University
Classification: Pathogenic for Osteogenesis imperfecta, perinatal lethal. Last evaluated: 2024-07-03. Review status: criteria provided, single submitter. Criteria: ACMG Guidelines, 2015. Collection method: clinical testing. Allele origin: germline. Affected: yes.

Literature cited by the submitters: PubMed 27509835 (cited by Clinical Biomedical Laboratory, Shriners Hospital For Children - Canada).

NM_000089.4(COL1A2):c.928G>A (p.Gly310Ser)

Gene: COL1A2 (collagen type I alpha 2 chain; plus strand). Cytogenetic location: 7q21.3.
Variant type: single nucleotide variant.
Coding change: c.928G>A on transcript NM_000089.4 (MANE Select); coding-DNA position 928, G replaced by A.
Protein change: p.Gly310Ser; replaces glycine 310 with serine.
Molecular consequence: missense variant.
Genome position (GRCh38, 1-based): chr7:94,409,600, G>A. VCF-style: chr7-94409600-G-A. GRCh37 (hg19) VCF-style: chr7-94038912-G-A.
Other names: short protein forms G310S.
Identifiers: ClinVar variation 3252038 (VCV003252038.2), dbSNP rs72656391.
Genomic context (GRCh38, chr7:94,409,600, plus strand): 5'-CTTCTCCTTTCCTTTTCCTCATAGGGTAATCCTGGAGCAAACGGCCTTACTGGTGCCAAG[G>A]GTGCTGCTGTGAGTATACCTGCGTAGCTAAAATGTGCTGCTATGATTTTAAAGGCATTTA-3'
Protein context (NP_000080.2, residues 300-320): PGANGLTGAK[Gly310Ser]AAGLPGVAGA